The following is an entry in ClinVar:

NM_000465.4(BARD1):c.2200A>G (p.Thr734Ala)

Gene: BARD1 (BRCA1 associated RING domain 1; minus strand). Cytogenetic location: 2q35.
Variant type: single nucleotide variant.
Coding change: c.2200A>G on transcript NM_000465.4 (MANE Select); coding-DNA position 2200, A replaced by G.
Protein change: p.Thr734Ala; replaces threonine 734 with alanine.
Molecular consequence: missense variant. On other transcripts: non-coding transcript variant (3).
Genome position (GRCh38, 1-based): chr2:214,728,810, T>C on the plus strand (A>G on the coding strand, the complement: BARD1 is on the minus strand). VCF-style: chr2-214728810-T-C. GRCh37 (hg19) VCF-style: chr2-215593534-T-C.
Other names: c.2143A>G, p.Thr715Ala (NM_001282543.2); c.847A>G, p.Thr283Ala (NM_001282545.2); c.790A>G, p.Thr264Ala (NM_001282548.2); c.661A>G, p.Thr221Ala (NM_001282549.2); short protein forms T734A, T221A, T264A, T283A, T715A.
Identifiers: ClinVar variation 481364 (VCV000481364.24), dbSNP rs1553612113, ClinGen allele CA350450254.
Genomic context (GRCh38, chr2:214,728,810, plus strand): 5'-TGCCCTGCCGAACCCTCTCTGGGTGATAATTACACAAATCTTCATAGATGATATACTGTG[T>C]GCAGAAGCGCTGATCAGAATCGGGTCTCGCATGGTATGCGACTGTATTGATGGTCTGAGT-3'
Protein context (NP_000456.2, residues 724-744): ARPDSDQRFC[Thr734Ala]QYIIYEDLCN

ClinVar aggregate classification (germline): Uncertain significance. Review status: criteria provided, multiple submitters, no conflicts (2 of 4 stars). 6 submissions from 6 submitters: Uncertain significance (6). Last evaluated 2025-09-22.

Conditions:
BARD1-related disorder. Also called: BARD1-related condition.
Hereditary cancer-predisposing syndrome. Also called: Neoplastic Syndromes, Hereditary; Hereditary Cancer Syndrome; Tumor predisposition; Hereditary neoplastic syndrome. Identifiers: Orphanet 140162, MedGen C0027672, MeSH D009386, MONDO:0015356.
Familial cancer of breast. Also called: BREAST CANCER, FAMILIAL; Hereditary breast cancer; hereditary breast carcinoma. Identifiers: Orphanet 227535, MedGen C0346153, MONDO:0016419, OMIM 114480. Disease mechanism: loss of function.

Allele frequency attached by ClinVar (database versions not stated): gnomAD exomes below 0.00001.
gnomAD v4.1: 5 of 1,614,250 alleles (0.00031%); highest among the groups gnomAD compares: Non-Finnish European, 0.00042%; no homozygotes.

Submissions (6):

PreventionGenetics, part of Exact Sciences
Classification: Uncertain significance for BARD1-related condition. Last evaluated: 2025-09-22. Review status: criteria provided, single submitter. Criteria: ACMG Guidelines, 2015. Collection method: clinical testing. Allele origin: germline.
Comment: The BARD1 c.2200A>G variant is predicted to result in the amino acid substitution p.Thr734Ala. To our knowledge, this variant has not been reported in the literature in affected individuals or in a large population database (gnomAD), indicating this variant is rare. Functional studies indicate that this variant disrupts BARD1 protein function (Edwards et al. 2008. PubMed ID: 18842000). This variant is classified as uncertain in ClinVar (Variation ID: 481364). At this time, the clinical significance of this variant is uncertain due to the absence of conclusive functional and genetic evidence.

Labcorp Genetics (formerly Invitae), Labcorp
Classification: Uncertain significance for Familial cancer of breast. Last evaluated: 2025-08-10. Review status: criteria provided, single submitter. Criteria: Invitae Variant Classification Sherloc (09022015). Collection method: clinical testing. Allele origin: germline.
Comment: This sequence change replaces threonine, which is neutral and polar, with alanine, which is neutral and non-polar, at codon 734 of the BARD1 protein (p.Thr734Ala). This variant is not present in population databases (gnomAD no frequency). This variant has not been reported in the literature in individuals affected with BARD1-related conditions. ClinVar contains an entry for this variant (Variation ID: 481364). An algorithm developed to predict the effect of missense changes on protein structure and function (PolyPhen-2) suggests that this variant is likely to be disruptive. Experimental studies have shown that this missense change affects BARD1 function (PMID: 16651405, 18842000, 20379136). In summary, the available evidence is currently insufficient to determine the role of this variant in disease. Therefore, it has been classified as a Variant of Uncertain Significance.

Ambry Genetics
Classification: Uncertain significance for Hereditary cancer-predisposing syndrome. Last evaluated: 2025-07-07. Review status: criteria provided, single submitter. Criteria: Ambry Variant Classification Scheme 2023. Collection method: clinical testing. Allele origin: germline.
Comment: The p.T734A variant (also known as c.2200A>G), located in coding exon 11 of the BARD1 gene, results from an A to G substitution at nucleotide position 2200. The threonine at codon 734 is replaced by alanine, an amino acid with similar properties. This alteration has been demonstrated to be defective in the inhibition of mRNA 3' cleavage and degradation of RNAP II in response to DNA damage. Furthermore, UV-induced activation of deadenylation decreased by almost 50% in nuclear extracts from cells expressing p.T734A compared to wild type (Kim HS et al. Cancer Res. 2006 May; 66(9):4561-5; Cevher MA et al. EMBO J. 2010 May; 29(10):1674-87). Structural analysis shows that this residue is buried within a BRCT repeat, suggesting that loss of function in p.T734A may be due to its negative effects on the integrity of the BRCT repeat structure rather than loss of a phosphorylation site (Edwards RA et al. Biochemistry. 2008 Nov; 47(44):11446-56), although direct evidence is unavailable. This amino acid position is highly conserved in available vertebrate species. In addition, the in silico prediction for this alteration is inconclusive. Based on the available evidence, the clinical significance of this variant remains unclear.

Color Diagnostics, LLC DBA Color Health
Classification: Uncertain significance for Hereditary cancer-predisposing syndrome. Last evaluated: 2025-05-21. Review status: criteria provided, single submitter. Criteria: ACMG Guidelines, 2015. Collection method: clinical testing. Allele origin: germline.
Comment: This missense variant replaces threonine with alanine at codon 734 of the BARD1 protein. Computational prediction is inconclusive regarding the impact of this variant on protein structure and function. To our knowledge, functional studies have not been reported for this variant. This variant has not been reported in individuals affected with BARD1-related disorders in the literature. This variant has not been identified in the general population by the Genome Aggregation Database (gnomAD). The available evidence is insufficient to determine the role of this variant in disease conclusively. Therefore, this variant is classified as a Variant of Uncertain Significance.

Baylor Genetics
Classification: Uncertain significance for Familial cancer of breast. Last evaluated: 2023-11-12. Review status: criteria provided, single submitter. Criteria: ACMG Guidelines, 2015. Collection method: clinical testing. Allele origin: unknown.

GeneDx
Classification: Uncertain significance. Last evaluated: 2022-08-17. Review status: criteria provided, single submitter. Criteria: GeneDx Variant Classification Process June 2021. Collection method: clinical testing. Allele origin: germline. Affected: yes.
Comment: Not observed at significant frequency in large population cohorts (gnomAD); In silico analysis supports that this missense variant has a deleterious effect on protein structure/function; Published functional studies demonstrate a damaging effect: defective RNAP II degradation and mRNA cleavage, reduced UV-induced activation of deadenylation, and loss of UV-induced phosphorylation of BARD1 (Kim et al., 2006; Cevher et al., 2010); This variant is associated with the following publications: (PMID: 17550235, 18842000, 16651405, 20379136)

Literature cited by the submitters: PubMed 16651405 (cited by Labcorp Genetics (formerly Invitae), Labcorp and Ambry Genetics); PubMed 18842000 (cited by Labcorp Genetics (formerly Invitae), Labcorp and Ambry Genetics); PubMed 20379136 (cited by Labcorp Genetics (formerly Invitae), Labcorp and Ambry Genetics).